The following is an entry in ClinVar:

ClinVar aggregate classification (germline): Pathogenic. Review status: reviewed by expert panel (3 of 4 stars). 2 submissions from 2 submitters: Pathogenic (1). 1 of the submissions does not count toward it. Last evaluated 2016-09-08.

Conditions:
Breast-ovarian cancer, familial, susceptibility to, 2 (BROVCA2). Also called: BRCA2 Hereditary Breast and Ovarian Cancer. Identifiers: Orphanet 145, MedGen C2675520, MONDO:0012933, OMIM 612555. Disease mechanism: loss of function.

Submissions (2):

Evidence-based Network for the Interpretation of Germline Mutant Alleles (ENIGMA)
Classification: Pathogenic for Breast-ovarian cancer, familial, susceptibility to, 2. Last evaluated: 2016-09-08. Review status: reviewed by expert panel. Criteria: ENIGMA BRCA1/2 Classification Criteria (2015). Collection method: curation. Allele origin: germline.
Comment: Variant allele predicted to encode a truncated non-functional protein.

Consortium of Investigators of Modifiers of BRCA1/2 (CIMBA), c/o University of Cambridge
Classification: Pathogenic for Breast-ovarian cancer, familial, susceptibility to, 2. Last evaluated: 2015-10-02. Review status: criteria provided, single submitter. Criteria: CIMBA Mutation Classification guidelines May 2016. Collection method: clinical testing. Allele origin: germline. Not counted in ClinVar's aggregate classification.

NM_000059.4(BRCA2):c.4535del (p.Arg1512fs)

Gene: BRCA2 (BRCA2 DNA repair associated; plus strand). Cytogenetic location: 13q13.1.
Variant type: Deletion.
Coding change: c.4535del on transcript NM_000059.4 (MANE Select); coding-DNA position 4535, one base deleted (G; older notation c.4535delG).
Protein change: p.Arg1512fs; shifts the reading frame from arginine 1512.
Molecular consequence: frameshift variant.
Genome position (GRCh38, 1-based): chr13:32,338,890, G deleted. VCF-style (leftmost placement, unchanged base first): chr13-32338889-CG-C. GRCh37 (hg19) VCF-style: chr13-32913026-CG-C.
Other names: c.4535delG (NM_000059.3).
Identifiers: ClinVar variation 51662 (VCV000051662.5), dbSNP rs397507723, ClinGen allele CA020340.